The following is an entry in ClinVar:

NM_000455.5(STK11):c.354C>G (p.Tyr118Ter)

Gene: STK11 (serine/threonine kinase 11; plus strand). Cytogenetic location: 19p13.3.
Variant type: single nucleotide variant.
Coding change: c.354C>G on transcript NM_000455.5 (MANE Select); coding-DNA position 354, C replaced by G.
Protein change: p.Tyr118Ter; replaces tyrosine 118 with a stop codon.
Molecular consequence: nonsense.
Genome position (GRCh38, 1-based): chr19:1,218,480, C>G. VCF-style: chr19-1218480-C-G. GRCh37 (hg19) VCF-style: chr19-1218479-C-G.
Other names: short protein forms Y118*.
Identifiers: ClinVar variation 861340 (VCV000861340.8), dbSNP rs1555737439, ClinGen allele CA402947840.
Genomic context (GRCh38, chr19:1,218,480, plus strand): 5'-AATTCAACTACTGAGGAGGTTACGGCACAAAAATGTCATCCAGCTGGTGGATGTGTTATA[C>G]AACGAAGAGAAGCAGAAAATATATCCTTTCCGGTGTTGGGACCGCGGGGCCTCCGTGGGA-3'

ClinVar aggregate classification (germline): Pathogenic. Review status: criteria provided, multiple submitters, no conflicts (2 of 4 stars). 2 submissions from 2 submitters: Pathogenic (2). Last evaluated 2025-05-12.

Conditions:
Hereditary cancer-predisposing syndrome. Also called: Hereditary neoplastic syndrome; Tumor predisposition; Neoplastic Syndromes, Hereditary; Hereditary Cancer Syndrome. Identifiers: Orphanet 140162, MedGen C0027672, MeSH D009386, MONDO:0015356.
Peutz-Jeghers syndrome (PJS). Also called: Peutz-Jeghers polyposis; Periorificial lentiginosis syndrome; POLYPOSIS, HAMARTOMATOUS INTESTINAL; POLYPS-AND-SPOTS SYNDROME. Identifiers: Orphanet 2869, MedGen C0031269, MeSH D010580, MONDO:0008280, OMIM 175200.

Submissions (2):

Ambry Genetics
Classification: Pathogenic for Hereditary cancer-predisposing syndrome. Last evaluated: 2025-05-12. Review status: criteria provided, single submitter. Criteria: Ambry Variant Classification Scheme 2023. Collection method: clinical testing. Allele origin: germline.
Comment: The p.Y118* pathogenic mutation (also known as c.354C>G), located in coding exon 2 of the STK11 gene, results from a C to G substitution at nucleotide position 354. This changes the amino acid from a tyrosine to a stop codon within coding exon 2. This variant was reported in individual(s) with features consistent with Peutz-Jeghers syndrome (Schumacher V et al. J Med Genet, 2005 May;42:428-35; Jiang YL et al. BMC Med Genet, 2018 Aug;19:141). This variant is considered to be rare based on population cohorts in the Genome Aggregation Database (gnomAD). In addition to the clinical data presented in the literature, this alteration is expected to result in loss of function by premature protein truncation or nonsense-mediated mRNA decay. As such, this alteration is interpreted as a disease-causing mutation.

Labcorp Genetics (formerly Invitae), Labcorp
Classification: Pathogenic for Peutz-Jeghers syndrome. Last evaluated: 2021-10-06. Review status: criteria provided, single submitter. Criteria: Invitae Variant Classification Sherloc (09022015). Collection method: clinical testing. Allele origin: germline.
Comment: This premature translational stop signal has been observed in individual(s) with clinical features of Peutz-Jeghers syndrome (PMID: 15863673, 30092773). For these reasons, this variant has been classified as Pathogenic. Algorithms developed to predict the effect of sequence changes on RNA splicing suggest that this variant may create or strengthen a splice site. ClinVar contains an entry for this variant (Variation ID: 861340). This variant is not present in population databases (ExAC no frequency). This sequence change creates a premature translational stop signal (p.Tyr118*) in the STK11 gene. It is expected to result in an absent or disrupted protein product. Loss-of-function variants in STK11 are known to be pathogenic (PMID: 15188174, 16287113).

Literature cited by the submitters: PubMed 15863673 (cited by Ambry Genetics and Labcorp Genetics (formerly Invitae), Labcorp); PubMed 30092773 (cited by Ambry Genetics and Labcorp Genetics (formerly Invitae), Labcorp); PubMed 15188174 (cited by Labcorp Genetics (formerly Invitae), Labcorp); PubMed 16287113 (cited by Labcorp Genetics (formerly Invitae), Labcorp).